The following is an entry in ClinVar:

NM_001374504.1(TMPRSS6):c.262C>T (p.Arg88Cys)

Gene: TMPRSS6 (transmembrane serine protease 6; minus strand). Cytogenetic location: 22q12.3.
Variant type: single nucleotide variant.
Coding change: c.262C>T on transcript NM_001374504.1 (MANE Select); coding-DNA position 262, C replaced by T.
Protein change: p.Arg88Cys; replaces arginine 88 with cysteine.
Molecular consequence: missense variant.
Genome position (GRCh38, 1-based): chr22:37,098,490, G>A on the plus strand (C>T on the coding strand, the complement: TMPRSS6 is on the minus strand). VCF-style: chr22-37098490-G-A. GRCh37 (hg19) VCF-style: chr22-37494530-G-A.
Other names: c.262C>T, p.Arg88Cys (NM_001289000.2, NM_001289001.2, NM_153609.4); short protein forms R88C.
Identifiers: ClinVar variation 2892219 (VCV002892219.4), dbSNP rs143182343, ClinGen allele CA10216139.

ClinVar aggregate classification (germline): Uncertain significance. Review status: criteria provided, multiple submitters, no conflicts (2 of 4 stars). 2 submissions from 2 submitters: Uncertain significance (2). Last evaluated 2024-03-29.

Conditions:
Iron-refractory iron deficiency anemia (IRIDA). Also called: IRON-HANDLING DISORDER, HEREDITARY; IRIDA syndrome; ANEMIA, HYPOCHROMIC MICROCYTIC, WITH DEFECT IN IRON METABOLISM; PSEUDO-IRON-DEFICIENCY ANEMIA. Identifiers: Orphanet 209981, MedGen C0085576, MONDO:0008788, OMIM 206200. Disease mechanism: loss of function.

Allele frequency attached by ClinVar (database versions not stated): gnomAD exomes 0.00002; ExAC 0.00009; gnomAD 0.00035; ESP Exome Variant Server 0.00038.

Submissions (2):

Genomic Medicine Center of Excellence, King Faisal Specialist Hospital and Research Centre
Classification: Uncertain significance for Iron-refractory iron deficiency anemia. Last evaluated: 2024-03-29. Review status: criteria provided, single submitter. Criteria: ACMG Guidelines, 2015. Collection method: clinical testing. Allele origin: germline.

Labcorp Genetics (formerly Invitae), Labcorp
Classification: Uncertain significance. Last evaluated: 2023-10-13. Review status: criteria provided, single submitter. Criteria: Invitae Variant Classification Sherloc (09022015). Collection method: clinical testing. Allele origin: germline.
Comment: This sequence change replaces arginine, which is basic and polar, with cysteine, which is neutral and slightly polar, at codon 97 of the TMPRSS6 protein (p.Arg97Cys). This variant is present in population databases (rs143182343, gnomAD 0.1%). This variant has not been reported in the literature in individuals affected with TMPRSS6-related conditions. Advanced modeling of protein sequence and biophysical properties (such as structural, functional, and spatial information, amino acid conservation, physicochemical variation, residue mobility, and thermodynamic stability) performed at Invitae indicates that this missense variant is expected to disrupt TMPRSS6 protein function. In summary, the available evidence is currently insufficient to determine the role of this variant in disease. Therefore, it has been classified as a Variant of Uncertain Significance.